The following is an entry in ClinVar:

NM_000169.3(GLA):c.377G>T (p.Ser126Ile)

Genes: GLA (galactosidase alpha; minus strand), RPL36A-HNRNPH2 (RPL36A-HNRNPH2 readthrough; plus strand). Cytogenetic location: Xq22.1.
Variant type: single nucleotide variant.
Coding change: c.377G>T on transcript NM_000169.3 (MANE Select); coding-DNA position 377, G replaced by T.
Protein change: p.Ser126Ile; replaces serine 126 with isoleucine.
Molecular consequence: missense variant. On other transcripts: non-coding transcript variant (3), intron variant (2).
Genome position (GRCh38, 1-based): chrX:101,401,802, C>A on the plus strand (G>T on the coding strand, the complement: GLA is on the minus strand). VCF-style: chrX-101401802-C-A. GRCh37 (hg19) VCF-style: chrX-100656790-C-A.
Other names: c.500G>T, p.Ser167Ile (NM_001406747.1, NM_001406749.1); c.377G>T, p.Ser126Ile (NM_001406748.1); c.300+6345C>A (NM_001199973.2); c.177+9980C>A (NM_001199974.2); short protein forms S126I, S167I.
Identifiers: ClinVar variation 3074286 (VCV003074286.1), dbSNP rs782336447, ClinGen allele CA030959.

ClinVar aggregate classification (germline): Uncertain significance (1 of 4 stars; one submission).

Conditions:
Fabry disease. Also called: Fabry's disease; ALPHA-GALACTOSIDASE A DEFICIENCY; ANDERSON-FABRY DISEASE; CERAMIDE TRIHEXOSIDASE DEFICIENCY; GLA DEFICIENCY; HEREDITARY DYSTOPIC LIPIDOSIS. Identifiers: Orphanet 324, MedGen C0002986, MONDO:0010526, OMIM 301500, HP:0001071. Disease mechanism: Fabry disease is due to inactivating mutations in the X-linked GLA gene resulting in deficiency of the enzyme Alpha Galactosidase-A., loss of function.

Allele frequency attached by ClinVar (database versions not stated): gnomAD exomes below 0.00001; ExAC 0.00001.
gnomAD v4.1: 1 of 1,208,533 alleles (0.000083%); highest among the groups gnomAD compares: South Asian, 0.0018%; no homozygotes.

Submission:

All of Us Research Program, National Institutes of Health
Classification: Uncertain significance for Fabry disease. Last evaluated: 2023-11-02. Review status: criteria provided, single submitter. Criteria: ACMG Guidelines, 2015. Collection method: clinical testing. Allele origin: germline. Inheritance: X-linked inheritance. Observed: 1 variant allele, 1 heterozygote.
Comment: This missense variant replaces serine with isoleucine at codon 126 of the GLA protein. Computational prediction suggests that this variant may have deleterious impact on protein structure and function (internally defined REVEL score threshold >= 0.7, PMID: 27666373). To our knowledge, functional studies have not been reported for this variant. This variant has not been reported in individuals affected with GLA-related disorders in the literature. This variant has been identified in 1/183372 chromosomes in the general population by the Genome Aggregation Database (gnomAD). The available evidence is insufficient to determine the role of this variant in disease conclusively. Therefore, this variant is classified as a Variant of Uncertain Significance.

This study involves interpretation of variants in research participants for the purpose of population health screening. Participant phenotype was not available at the time of variant classification. Additional details can be found in publication PMID: 35346344, PMCID: PMC8962531